The following is an entry in ClinVar:

NM_138413.4(HOGA1):c.341-1G>A

Gene: HOGA1 (4-hydroxy-2-oxoglutarate aldolase 1; plus strand). Cytogenetic location: 10q24.2.
Variant type: single nucleotide variant.
Coding change: c.341-1G>A on transcript NM_138413.4 (MANE Select); the canonical splice acceptor site of the intron before coding-DNA position 341, G replaced by A.
Molecular consequence: splice acceptor variant. On other transcripts: intron variant (1).
Genome position (GRCh38, 1-based): chr10:97,599,088, G>A. VCF-style: chr10-97599088-G-A. GRCh37 (hg19) VCF-style: chr10-99358845-G-A.
Other names: c.212-2769G>A (NM_001134670.2).
Identifiers: ClinVar variation 556163 (VCV000556163.5), dbSNP rs1554874130, ClinGen allele CA377977150.

ClinVar aggregate classification (germline): Likely pathogenic. Review status: criteria provided, single submitter (1 of 4 stars). 2 submissions from 2 submitters: Likely pathogenic (1). 1 of the submissions does not count toward it. Last evaluated 2023-02-14.

Conditions:
Primary hyperoxaluria type 3. Also called: PH III. Identifiers: Orphanet 416, Orphanet 93600, MedGen C3150878, MONDO:0013327, OMIM 613616. Disease mechanism: loss of function.

Allele frequency attached by ClinVar (database versions not stated): gnomAD 0.00001; TOPMed 0.00001.
gnomAD v4.1: 2 of 1,612,672 alleles (0.00012%); highest among the groups gnomAD compares: African/African-American, 0.0013%; no homozygotes.

Submissions (2):

Labcorp Genetics (formerly Invitae), Labcorp
Classification: Likely pathogenic. Last evaluated: 2023-02-14. Review status: criteria provided, single submitter. Criteria: Invitae Variant Classification Sherloc (09022015). Collection method: clinical testing. Allele origin: germline.
Comment: This sequence change affects an acceptor splice site in intron 2 of the HOGA1 gene. It is expected to disrupt RNA splicing. Variants that disrupt the donor or acceptor splice site typically lead to a loss of protein function (PMID: 16199547), and loss-of-function variants in HOGA1 are known to be pathogenic (PMID: 22391140, 22781098). This variant is not present in population databases (gnomAD no frequency). This variant has not been reported in the literature in individuals affected with HOGA1-related conditions. ClinVar contains an entry for this variant (Variation ID: 556163). Algorithms developed to predict the effect of sequence changes on RNA splicing suggest that this variant may disrupt the consensus splice site. In summary, the currently available evidence indicates that the variant is pathogenic, but additional data are needed to prove that conclusively. Therefore, this variant has been classified as Likely Pathogenic.

Counsyl
Classification: Likely pathogenic for Primary hyperoxaluria type 3. Last evaluated: 2018-01-16. Review status: no assertion criteria provided. Collection method: clinical testing. Allele origin: unknown. Not counted in ClinVar's aggregate classification.

Literature cited by the submitters: PubMed 16199547 (cited by Labcorp Genetics (formerly Invitae), Labcorp); PubMed 22391140 (cited by Labcorp Genetics (formerly Invitae), Labcorp); PubMed 22781098 (cited by Labcorp Genetics (formerly Invitae), Labcorp).